The following is an entry in ClinVar:

ClinVar aggregate classification (germline): Uncertain significance. Review status: criteria provided, multiple submitters, no conflicts (2 of 4 stars). 2 submissions from 2 submitters: Uncertain significance (2). Last evaluated 2025-01-23.

Allele frequency attached by ClinVar (database versions not stated): ExAC 0.00001; gnomAD exomes below 0.00001; TOPMed 0.00001.
gnomAD v4.1: 7 of 1,612,840 alleles (0.00043%); highest among the groups gnomAD compares: Non-Finnish European, 0.00051%; no homozygotes.

Submissions (2):

Labcorp Genetics (formerly Invitae), Labcorp
Classification: Uncertain significance. Last evaluated: 2025-01-23. Review status: criteria provided, single submitter. Criteria: Invitae Variant Classification Sherloc (09022015). Collection method: clinical testing. Allele origin: germline.
Comment: This sequence change replaces threonine, which is neutral and polar, with serine, which is neutral and polar, at codon 420 of the CHRM2 protein (p.Thr420Ser). This variant is present in population databases (rs758947846, gnomAD 0.0009%). This variant has not been reported in the literature in individuals affected with CHRM2-related conditions. ClinVar contains an entry for this variant (Variation ID: 970899). An algorithm developed to predict the effect of missense changes on protein structure and function (PolyPhen-2) suggests that this variant is likely to be tolerated. In summary, the available evidence is currently insufficient to determine the role of this variant in disease. Therefore, it has been classified as a Variant of Uncertain Significance.

Ambry Genetics
Classification: Uncertain significance. Last evaluated: 2025-01-18. Review status: criteria provided, single submitter. Criteria: Ambry Variant Classification Scheme 2023. Collection method: clinical testing. Allele origin: germline.

NM_001006630.2(CHRM2):c.1259C>G (p.Thr420Ser)

Genes: CHRM2 (cholinergic receptor muscarinic 2; plus strand), LOC349160 (uncharacterized LOC349160; minus strand). Cytogenetic location: 7q33.
Variant type: single nucleotide variant.
Coding change: c.1259C>G on transcript NM_001006630.2 (MANE Select); coding-DNA position 1259, C replaced by G.
Protein change: p.Thr420Ser; replaces threonine 420 with serine.
Molecular consequence: missense variant.
Genome position (GRCh38, 1-based): chr7:137,016,124, C>G. VCF-style: chr7-137016124-C-G. GRCh37 (hg19) VCF-style: chr7-136700871-C-G.
Other names: c.1259C>G, p.Thr420Ser (NM_000739.3, NM_001006626.3, NM_001006627.3 and 6 more transcripts); short protein forms T420S.
Identifiers: ClinVar variation 970899 (VCV000970899.8), dbSNP rs758947846, ClinGen allele CA4500637.
Genomic context (GRCh38, chr7:137,016,124, plus strand): 5'-GGGCCCCATACAATGTCATGGTGCTCATTAACACCTTTTGTGCACCTTGCATCCCCAACA[C>G]TGTGTGGACAATTGGTTACTGGCTTTGTTACATCAACAGCACTATCAACCCTGCCTGCTA-3'
Protein context (NP_001006631.1, residues 410-430): NTFCAPCIPN[Thr420Ser]VWTIGYWLCY